The following continues an entry in ClinVar:

NM_000500.9(CYP21A2):c.92C>T (p.Pro31Leu)

ClinVar aggregate classification (germline): Pathogenic/Likely pathogenic. Pathogenic (20); Likely pathogenic (1).

Submissions 13 to 24 of 24:

Victorian Clinical Genetics Services, Murdoch Childrens Research Institute
Classification: Pathogenic for 21-Hydroxylase-Deficient Congenital Adrenal Hyperplasia. Last evaluated: 2023-07-16. Review status: criteria provided, single submitter. Criteria: ACMG Guidelines, 2015. Collection method: clinical testing. Allele origin: germline. Inheritance: Autosomal recessive inheritance. Affected: no.
Comment: Based on the classification scheme VCGS_Germline_v1.3.4, this variant is classified as Pathogenic. Following criteria are met: 0102 - Loss of function is a known mechanism of disease in this gene and is associated with congenital adrenal hyperplasia due to 21-hydroxylase deficiency (MIM#201910) and hyperandrogenism nonclassic type due to 21-hydroxylase deficiency (MIM#201910). (I) 0106 - This gene is associated with autosomal recessive disease. (I) 0200 - Variant is predicted to result in a missense amino acid change from proline to leucine. (I) 0251 - This variant is heterozygous (according to Fulgent Genetics report). (I) 0304 - Variant is present in gnomAD <0.01 for a recessive condition (v3: 77 heterozygotes, 1 homozygote). (SP) 0604 - Variant is not located in an established domain, motif, hotspot or informative constraint region. (I) 0801 - This variant has very strong previous evidence of pathogenicity in unrelated individuals. It has been detected in multiple patients (ClinVar, PMIDs: 35079965, 26804566). (SP) 1002 - This variant has moderate functional evidence supporting abnormal protein function. It has been shown to cause 30-60% loss of 21-hydroxylase enzymatic activity (PMID: 26804566). (SP) 1208 - Inheritance information for this variant is not currently available in this individual. (I) Legend: (SP) - Supporting pathogenic, (I) - Information, (SB) - Supporting benign

Pittsburgh Clinical Genomics Laboratory, University of Pittsburgh Medical Center
Classification: Pathogenic for 21-Hydroxylase-Deficient Congenital Adrenal Hyperplasia. Last evaluated: 2023-06-28. Review status: criteria provided, single submitter. Criteria: ACMG Guidelines, 2015. Collection method: clinical testing. Allele origin: germline. Inheritance: Autosomal recessive inheritance. Affected: yes.
Comment: This sequence variant is a single nucleotide substitution (C>T) at position 92 of the coding sequence of the CYP21A2 gene that results in a proline to leucine amino acid change at residue 31 of the cytochrome P450 family 21 subfamily A member 2 protein. This is a previously reported variant (ClinVar 12153) that has been observed in homozygous, hemizygous, and compound heterozygous individuals affected by non-classical, simple virilizing, or salt wasting forms of congenital adrel hyperplasia due to 21-hydroxylase deficiency (PMID: 23142378, 23359698, 26804566, 31446012). This variant is present in 43 of 271488 alleles (0.0158%) in the gnomAD population dataset. Multiple bioinformatic tools predict that this proline to leucine amino acid change would be damaging, and the proline residue at this position is highly conserved across the vertebrate species examined. Studies examining the functiol consequence of this variant found that this variant significantly reduces CYP21A2's catalytic ability (PMID: 2072928, 28539365). Based upon the evidence, we consider this to be a pathogenic variant. ACMG Criteria: PP3, PS3, PS4

Department of Pathology and Laboratory Medicine, Sinai Health System
Classification: Pathogenic for 21-Hydroxylase-Deficient Congenital Adrenal Hyperplasia. Last evaluated: 2023-04-22. Review status: criteria provided, single submitter. Criteria: ACMG Guidelines, 2015. Collection method: research. Allele origin: germline.

Clinical Genetics Laboratory, Skane University Hospital Lund
Classification: Pathogenic. Last evaluated: 2022-08-18. Review status: criteria provided, single submitter. Criteria: ACMG Guidelines, 2015. Collection method: clinical testing. Allele origin: germline. Affected: yes.

Newborn Screening Ontario, Children's Hospital of Eastern Ontario (CHEO)
Classification: Pathogenic for 21-Hydroxylase-Deficient Congenital Adrenal Hyperplasia. Last evaluated: 2022-06-01. Review status: criteria provided, single submitter. Criteria: ACMG Guidelines, 2015. Collection method: clinical testing. Allele origin: germline. Inheritance: Autosomal recessive inheritance.

Myriad Genetics, Inc.
Classification: Pathogenic for 21-Hydroxylase-Deficient Congenital Adrenal Hyperplasia. Last evaluated: 2019-12-17. Review status: criteria provided, single submitter. Criteria: Myriad Women's Health Autosomal Recessive and X-Linked Classification Criteria (2019). Collection method: clinical testing. Allele origin: unknown.
Comment: NM_000500.7(CYP21A2):c.92C>T(P31L) is classified as pathogenic in the context of congenital adrenal hyperplasia, CYP21A2-related and is associated with the non-classic form of disease. Sources cited for classification include the following: PMID 23142378, 16427797, 23359698, 1644925, 2072928 and 9215318. Classification of NM_000500.7(CYP21A2):c.92C>T(P31L) is based on the following criteria: This is a well-established pathogenic variant in the literature that has been observed more frequently in patients with clinical diagnoses than in healthy populations. Please note: this variant was assessed in the context of healthy population screening.

Fulgent Genetics
Classification: Pathogenic for 21-Hydroxylase-Deficient Congenital Adrenal Hyperplasia. Last evaluated: 2018-10-31. Review status: criteria provided, single submitter. Criteria: ACMG Guidelines, 2015. Collection method: clinical testing. Allele origin: unknown.

Clinical Genetics and Genomics, Karolinska University Hospital
Classification: Pathogenic. Last evaluated: 2017-02-08. Review status: criteria provided, single submitter. Criteria: ACMG Guidelines, 2015. Collection method: clinical testing. Allele origin: germline. Affected: yes. Observed: 9 variant alleles.

Juno Genomics, Hangzhou Juno Genomics, Inc
Classification: Pathogenic for 21-Hydroxylase-Deficient Congenital Adrenal Hyperplasia. Review status: criteria provided, single submitter. Criteria: ACMG Guidelines, 2015. Collection method: clinical testing. Allele origin: germline. Affected: yes.
Comment: Absent from controls (or at extremely low frequency if recessive) in Genome Aggregation Database, Exome Sequencing Project, 1000 Genomes Project, or Exome Aggregation Consortium.;Novel missense change at an amino acid residue where a different missense change determined to be pathogenic has been seen before.;For recessive disorders, detected in trans with a pathogenic variant.;Patient's phenotype or family history is highly specific for a disease with a single genetic etiology.;Well-established in vitro or in vivo functional studies supportive of a damaging effect on the gene or gene product.

Foundation for Research in Genetics and Endocrinology, FRIGE's Institute of Human Genetics
Classification: Pathogenic for 21-Hydroxylase-Deficient Congenital Adrenal Hyperplasia. Last evaluated: 2017-07-28. Review status: no assertion criteria provided. Collection method: clinical testing. Allele origin: germline. Inheritance: Autosomal recessive inheritance. Affected: yes. Observed: 1 variant allele, 1 homozygote. Not counted in ClinVar's aggregate classification.
Comment: This variant has been reported in 1000 genomes database, dbSNP(rs9378251) and HGMD. The in silico prediction of this variant is disease-causing by MutationTaster.

OMIM
Classification: Pathogenic for ADRENAL HYPERPLASIA, CONGENITAL, DUE TO 21-HYDROXYLASE DEFICIENCY, NONCLASSIC TYPE. Last evaluated: 1997-07-01. Review status: no assertion criteria provided. Collection method: literature only. Allele origin: germline. Not counted in ClinVar's aggregate classification.

GeneReviews
No classification provided. Condition: 21-Hydroxylase-Deficient Congenital Adrenal Hyperplasia. Review status: no classification provided. Collection method: literature only. Allele origin: unknown. Not counted in ClinVar's aggregate classification.

Literature cited by the submitters: PubMed 2072928 (cited by 7 submitters); PubMed 23142378 (cited by 5 submitters); PubMed 23359698 (cited by 6 submitters); PubMed 26804566 (cited by 5 submitters); PubMed 31446012 (cited by Labcorp Genetics (formerly Invitae), Labcorp and Pittsburgh Clinical Genomics Laboratory, University of Pittsburgh Medical Center); PubMed 28539365 (cited by 5 submitters); PubMed 24953648 (cited by 3 submitters); PubMed 1644925 (cited by 4 submitters); PubMed 20926536 (cited by 3 submitters); PubMed 9215318 (cited by 5 submitters); PubMed 10720040 (cited by Hema, HEMA – Genetic and Molecular Diagnostic Laboratory); PubMed 15670187 (cited by 3 submitters); PubMed 21329531 (cited by 3 submitters); PubMed 25553759 (cited by 3 submitters); PubMed 32289882 (cited by 3 submitters); PubMed 33809035 (cited by 3 submitters); PubMed 40552539 (cited by Hema, HEMA – Genetic and Molecular Diagnostic Laboratory); PubMed 24071710 (cited by Athena Diagnostics and Quest Diagnostics Nichols Institute San Juan Capistrano); PubMed 26206692 (cited by Athena Diagnostics and Quest Diagnostics Nichols Institute San Juan Capistrano); PubMed 22156666 (cited by Athena Diagnostics and Quest Diagnostics Nichols Institute San Juan Capistrano); PubMed 20661889 (cited by Athena Diagnostics and Quest Diagnostics Nichols Institute San Juan Capistrano); PubMed 27041116 (cited by Athena Diagnostics and Quest Diagnostics Nichols Institute San Juan Capistrano); PubMed 16427797 (cited by 3 submitters); PubMed 10790214 (cited by Athena Diagnostics and Quest Diagnostics Nichols Institute San Juan Capistrano); PubMed 30889569 (cited by Athena Diagnostics and Quest Diagnostics Nichols Institute San Juan Capistrano); PubMed 31586465 (cited by Athena Diagnostics and Quest Diagnostics Nichols Institute San Juan Capistrano); PubMed 30968594 (cited by Athena Diagnostics and Quest Diagnostics Nichols Institute San Juan Capistrano); PubMed 32965796 (cited by Athena Diagnostics and Quest Diagnostics Nichols Institute San Juan Capistrano); PubMed 14502362 (cited by Athena Diagnostics and Quest Diagnostics Nichols Institute San Juan Capistrano); PubMed 19778530 (cited by Athena Diagnostics and Quest Diagnostics Nichols Institute San Juan Capistrano); PubMed 18039588 (cited by Athena Diagnostics and Quest Diagnostics Nichols Institute San Juan Capistrano); PubMed 19347184 (cited by Athena Diagnostics and Quest Diagnostics Nichols Institute San Juan Capistrano); PubMed 20970527 (cited by Athena Diagnostics and Quest Diagnostics Nichols Institute San Juan Capistrano); PubMed 19961824 (cited by Athena Diagnostics and Quest Diagnostics Nichols Institute San Juan Capistrano); PubMed 19624807 (cited by Athena Diagnostics and Quest Diagnostics Nichols Institute San Juan Capistrano); PubMed 22629504 (cited by Athena Diagnostics and Quest Diagnostics Nichols Institute San Juan Capistrano); PubMed 20818501 (cited by Athena Diagnostics and Quest Diagnostics Nichols Institute San Juan Capistrano); PubMed 22985688 (cited by Athena Diagnostics and Quest Diagnostics Nichols Institute San Juan Capistrano); PubMed 17164306 (cited by Athena Diagnostics and Quest Diagnostics Nichols Institute San Juan Capistrano); PubMed 18702679 (cited by Athena Diagnostics and Quest Diagnostics Nichols Institute San Juan Capistrano); PubMed 26425475 (cited by Athena Diagnostics and Quest Diagnostics Nichols Institute San Juan Capistrano); PubMed 20080860 (cited by Athena Diagnostics and Quest Diagnostics Nichols Institute San Juan Capistrano); PubMed 21843885 (cited by Athena Diagnostics and Quest Diagnostics Nichols Institute San Juan Capistrano); PubMed 16487445 (cited by Athena Diagnostics and Quest Diagnostics Nichols Institute San Juan Capistrano); PubMed 21274396 (cited by Athena Diagnostics and Quest Diagnostics Nichols Institute San Juan Capistrano); PubMed 21646284 (cited by Athena Diagnostics and Quest Diagnostics Nichols Institute San Juan Capistrano); PubMed 20838032 (cited by Athena Diagnostics and Quest Diagnostics Nichols Institute San Juan Capistrano); PubMed 23927611 (cited by Athena Diagnostics and Quest Diagnostics Nichols Institute San Juan Capistrano); PubMed 39553475 (cited by Athena Diagnostics and Quest Diagnostics Nichols Institute San Juan Capistrano); PubMed 15126570 (cited by Athena Diagnostics and Quest Diagnostics Nichols Institute San Juan Capistrano); PubMed 10198222 (cited by 3billion); PubMed 35079965 (cited by Victorian Clinical Genetics Services, Murdoch Childrens Research Institute); PubMed 2249999 (cited by OMIM); PubMed 20301350 (cited by GeneReviews); NCBI Bookshelf NBK1171 (cited by GeneReviews).